The following is an entry in ClinVar:

ClinVar aggregate classification (germline): Conflicting classifications of pathogenicity. Review status: criteria provided, conflicting classifications (1 of 4 stars). 3 submissions from 3 submitters: Uncertain significance (1); Likely benign (1). 1 of the submissions does not count toward it. Last evaluated 2026-01-09.

Conditions:
SCYL1-related disorder. Also called: SCYL1-related condition.

Allele frequency attached by ClinVar (database versions not stated): gnomAD exomes 0.00005 and 0.00017; ExAC 0.00018; 1000 Genomes Project 30x 0.00031; 1000 Genomes Project 0.00040; gnomAD 0.00077 and 0.00082; TOPMed 0.00086; ESP Exome Variant Server 0.00090.
gnomAD v4.1: 195 of 1,610,220 alleles (0.012%); highest among the groups gnomAD compares: African/African-American, 0.24%; 1 homozygote.

Submissions (3):

Labcorp Genetics (formerly Invitae), Labcorp
Classification: Likely benign. Last evaluated: 2026-01-09. Review status: criteria provided, single submitter. Criteria: Invitae Variant Classification Sherloc (09022015). Collection method: clinical testing. Allele origin: germline.

Mayo Clinic Laboratories, Mayo Clinic
Classification: Uncertain significance. Last evaluated: 2025-09-05. Review status: criteria provided, single submitter. Criteria: ACMG Guidelines, 2015. Collection method: clinical testing. Allele origin: germline. Observed: 1 variant allele.
Comment: BS1, PP3

PreventionGenetics, part of Exact Sciences
Classification: Likely benign for SCYL1-related condition. Last evaluated: 2022-10-27. Review status: no assertion criteria provided. Collection method: clinical testing. Allele origin: germline. Not counted in ClinVar's aggregate classification.
Comment: This variant is classified as likely benign based on ACMG/AMP sequence variant interpretation guidelines (Richards et al. 2015 PMID: 25741868, with internal and published modifications).

NM_020680.4(SCYL1):c.695T>C (p.Ile232Thr)

Gene: SCYL1 (SCY1 like pseudokinase 1; plus strand). Cytogenetic location: 11q13.1.
Variant type: single nucleotide variant.
Coding change: c.695T>C on transcript NM_020680.4 (MANE Select); coding-DNA position 695, T replaced by C.
Protein change: p.Ile232Thr; replaces isoleucine 232 with threonine.
Molecular consequence: missense variant.
Genome position (GRCh38, 1-based): chr11:65,526,963, T>C. VCF-style: chr11-65526963-T-C. GRCh37 (hg19) VCF-style: chr11-65294434-T-C.
Other names: p.Ile232Thr; c.695T>C, p.Ile232Thr (NM_001048218.2); short protein forms I232T.
Identifiers: ClinVar variation 734059 (VCV000734059.12), dbSNP rs201043872, ClinGen allele CA6099585.